The following is an entry in ClinVar:

NM_198834.3(ACACA):c.6042-3C>T

Gene: ACACA (acetyl-CoA carboxylase alpha; minus strand). Cytogenetic location: 17q12.
Variant type: single nucleotide variant.
Coding change: c.6042-3C>T on transcript NM_198834.3 (MANE Select); 3 bases into the intron before coding-DNA position 6042, C replaced by T.
Molecular consequence: intron variant.
Genome position (GRCh38, 1-based): chr17:37,122,630, G>A on the plus strand (C>T on the coding strand, the complement: ACACA is on the minus strand). VCF-style: chr17-37122630-G-A. GRCh37 (hg19) VCF-style: chr17-35479552-G-A.
Other names: c.5931-3C>T (NM_198839.3, NM_198836.3); c.5757-3C>T (NM_198837.2); c.5697-3C>T (NM_198838.2).
Identifiers: ClinVar variation 2792877 (VCV002792877.3), dbSNP rs2544960313, ClinGen allele CA2739267519.

ClinVar aggregate classification (germline): Uncertain significance (1 of 4 stars; one submission).

Submission:

Labcorp Genetics (formerly Invitae), Labcorp
Classification: Uncertain significance. Last evaluated: 2024-10-22. Review status: criteria provided, single submitter. Criteria: Invitae Variant Classification Sherloc (09022015). Collection method: clinical testing. Allele origin: germline.
Comment: This sequence change falls in intron 52 of the ACACA gene. It does not directly change the encoded amino acid sequence of the ACACA protein. It affects a nucleotide within the consensus splice site. This variant is not present in population databases (gnomAD no frequency). This variant has not been reported in the literature in individuals affected with ACACA-related conditions. Variants that disrupt the consensus splice site are a relatively common cause of aberrant splicing (PMID: 17576681, 9536098). Algorithms developed to predict the effect of sequence changes on RNA splicing suggest that this variant is not likely to affect RNA splicing. In summary, the available evidence is currently insufficient to determine the role of this variant in disease. Therefore, it has been classified as a Variant of Uncertain Significance.

Literature cited by the submitters: PubMed 17576681; PubMed 9536098.